The following is an entry in ClinVar:

NM_007294.4(BRCA1):c.301+3A>G

Gene: BRCA1 (BRCA1 DNA repair associated; minus strand). Cytogenetic location: 17q21.31.
Variant type: single nucleotide variant.
Coding change: c.301+3A>G on transcript NM_007294.4 (MANE Select); 3 bases into the intron after coding-DNA position 301, A replaced by G.
Molecular consequence: intron variant.
Genome position (GRCh38, 1-based): chr17:43,104,865, T>C on the plus strand (A>G on the coding strand, the complement: BRCA1 is on the minus strand). VCF-style: chr17-43104865-T-C. GRCh37 (hg19) VCF-style: chr17-41256882-T-C.
Other names: c.160+3A>G (NM_001408458.1, NM_001407931.1, NM_001407747.1 and 99 more transcripts); c.-218-10005A>G (NM_001407967.1, NM_001407966.1); c.-81+3A>G (NM_001407959.1, NM_001407962.1, NM_001408512.1 and 4 more transcripts); c.91+3A>G (NM_001407885.1, NM_001407886.1, NM_001407898.1 and 58 more transcripts); c.301+3A>G (NM_001407686.1, NM_001408397.1, NM_001407632.1 and 164 more transcripts); c.169+3A>G (NM_001408451.1); c.223+3A>G (NM_001408475.1, NM_001407875.1, NM_001407659.1 and 21 more transcripts); c.292+12A>G (NM_001408408.1, NM_001407647.1, NM_001407646.1).
Identifiers: ClinVar variation 628486 (VCV000628486.12), dbSNP rs1567810999, ClinGen allele CA913188827.

ClinVar aggregate classification (germline): Conflicting classifications of pathogenicity. Review status: criteria provided, conflicting classifications (1 of 4 stars). 2 submissions from 2 submitters: Uncertain significance (1); Likely benign (1). Last evaluated 2018-10-17.

Conditions:
Hereditary breast ovarian cancer syndrome. Also called: Hereditary breast and ovarian cancer syndrome (HBOC); Hereditary breast and ovarian cancer; BRCA1- and BRCA2-Associated Hereditary Breast and Ovarian Cancer; Breast and ovarian cancer; Hereditary breast and ovarian cancer syndrome; Hereditary breast and/or ovarian cancer syndrome. Identifiers: Orphanet 145, MedGen C0677776, MeSH D061325, MONDO:0003582. Disease mechanism: loss of function.
Hereditary cancer-predisposing syndrome. Also called: Hereditary neoplastic syndrome; Tumor predisposition; Hereditary Cancer Syndrome; Neoplastic Syndromes, Hereditary. Identifiers: Orphanet 140162, MedGen C0027672, MeSH D009386, MONDO:0015356.

Submissions (3):

Labcorp Genetics (formerly Invitae), Labcorp
Classification: Uncertain significance for Hereditary breast ovarian cancer syndrome. Last evaluated: 2018-10-17. Review status: criteria provided, single submitter. Criteria: Invitae Variant Classification Sherloc (09022015). Collection method: clinical testing. Allele origin: germline.
Comment: In summary, the available evidence is currently insufficient to determine the role of this variant in disease. Therefore, it has been classified as a Variant of Uncertain Significance. Nucleotide substitutions within the consensus splice site are a relatively common cause of aberrant splicing (PMID: 17576681, 9536098). Algorithms developed to predict the effect of sequence changes on RNA splicing suggest that this variant may disrupt the consensus splice site, but this prediction has not been confirmed by published transcriptional studies. This variant has not been reported in the literature in individuals with BRCA1-related disease. This variant is not present in population databases (ExAC no frequency). This sequence change falls in intron 5 of the BRCA1 gene. It does not directly change the encoded amino acid sequence of the BRCA1 protein, but it affects a nucleotide within the consensus splice site of the intron.

Color Diagnostics, LLC DBA Color Health
Classification: Likely benign for Hereditary cancer-predisposing syndrome. Last evaluated: 2018-05-31. Review status: criteria provided, single submitter. Criteria: ACMG Guidelines, 2015. Collection method: clinical testing. Allele origin: germline.

Brotman Baty Institute, University of Washington
No classification provided (evidence only). Condition: Breast-ovarian cancer, familial 1. Review status: no classification provided. Collection method: in vitro. Allele origin: not applicable. Functional consequence: functionally_abnormal. Not counted in ClinVar's aggregate classification.
ClinVar note: "not provided" was previously submitted as the classification for the variant. However, the classification appeared to be based only on an observation of functional data so it was converted to no classification on 2025-07-30.

Literature cited by the submitters: PubMed 17576681 (cited by Labcorp Genetics (formerly Invitae), Labcorp); PubMed 9536098 (cited by Labcorp Genetics (formerly Invitae), Labcorp).